The following is an entry in ClinVar:

ClinVar aggregate classification (germline): Uncertain significance (1 of 4 stars; one submission).

Conditions:
Hereditary cancer-predisposing syndrome. Also called: Tumor predisposition; Hereditary neoplastic syndrome; Hereditary Cancer Syndrome; Neoplastic Syndromes, Hereditary. Identifiers: Orphanet 140162, MedGen C0027672, MeSH D009386, MONDO:0015356.

Submission:

Ambry Genetics
Classification: Uncertain significance for Hereditary cancer-predisposing syndrome. Last evaluated: 2025-03-24. Review status: criteria provided, single submitter. Criteria: Ambry Variant Classification Scheme 2023. Collection method: clinical testing. Allele origin: germline.
Comment: The p.H1040Q variant (also known as c.3120C>A), located in coding exon 21 of the PDGFRA gene, results from a C to A substitution at nucleotide position 3120. The histidine at codon 1040 is replaced by glutamine, an amino acid with highly similar properties. This amino acid position is conserved. In addition, the in silico prediction for this alteration is inconclusive. Based on the available evidence, the clinical significance of this variant remains unclear.

NM_006206.6(PDGFRA):c.3120C>A (p.His1040Gln)

Gene: PDGFRA (platelet derived growth factor receptor alpha; plus strand). Cytogenetic location: 4q12.
Variant type: single nucleotide variant.
Coding change: c.3120C>A on transcript NM_006206.6 (MANE Select); coding-DNA position 3120, C replaced by A.
Protein change: p.His1040Gln; replaces histidine 1040 with glutamine.
Molecular consequence: missense variant.
Genome position (GRCh38, 1-based): chr4:54,290,552, C>A. VCF-style: chr4-54290552-C-A. GRCh37 (hg19) VCF-style: chr4-55156719-C-A.
Other names: c.3195C>A, p.His1065Gln (NM_001347828.2); c.3120C>A, p.His1040Gln (NM_001347829.2); c.3159C>A, p.His1053Gln (NM_001347830.2); short protein forms H1040Q, H1053Q, H1065Q.
Identifiers: ClinVar variation 3930189 (VCV003930189.1).